The following is an entry in ClinVar:

NM_000159.4(GCDH):c.32T>C (p.Leu11Pro)

Genes: GCDH (glutaryl-CoA dehydrogenase; plus strand), LOC117125594 (CRISPRi-FlowFISH-validated KLF1 regulatory element; plus strand). Cytogenetic location: 19p13.13.
Variant type: single nucleotide variant.
Coding change: c.32T>C on transcript NM_000159.4 (MANE Select); coding-DNA position 32, T replaced by C.
Protein change: p.Leu11Pro; replaces leucine 11 with proline.
Molecular consequence: missense variant. On other transcripts: non-coding transcript variant (2).
Genome position (GRCh38, 1-based): chr19:12,891,336, T>C. VCF-style: chr19-12891336-T-C. GRCh37 (hg19) VCF-style: chr19-13002150-T-C.
Other names: c.32T>C, p.Leu11Pro (NM_013976.5); short protein forms L11P.
Identifiers: ClinVar variation 4620674 (VCV004620674.1).

ClinVar aggregate classification (germline): Uncertain significance (1 of 4 stars; one submission).

Conditions:
Inborn genetic diseases. Identifiers: MedGen C0950123, MeSH D030342.

Submission:

Ambry Genetics
Classification: Uncertain significance for Inborn genetic diseases. Last evaluated: 2025-10-27. Review status: criteria provided, single submitter. Criteria: Ambry Variant Classification Scheme 2023. Collection method: clinical testing. Allele origin: germline.
Comment: The p.L11P variant (also known as c.32T>C), located in coding exon 1 of the GCDH gene, results from a T to C substitution at nucleotide position 32. The leucine at codon 11 is replaced by proline, an amino acid with similar properties. This amino acid position is conserved. In addition, this alteration is predicted to be deleterious by in silico analysis. Based on the available evidence, the clinical significance of this variant remains unclear.